The following is an entry in ClinVar:

ClinVar aggregate classification (germline): Benign/Likely benign. Review status: criteria provided, multiple submitters, no conflicts (2 of 4 stars). 4 submissions from 4 submitters: Benign (2); Likely benign (2). Last evaluated 2024-03-07.

Allele frequency attached by ClinVar (database versions not stated): gnomAD exomes 0.00021 and 0.00053; ExAC 0.00058; ESP Exome Variant Server 0.00154; gnomAD 0.00171 and 0.00180; TOPMed 0.00188; 1000 Genomes Project 30x 0.00219; 1000 Genomes Project 0.00220.
gnomAD v4.1: 580 of 1,611,320 alleles (0.036%); highest among the groups gnomAD compares: African/African-American, 0.58%; 1 homozygote.

Submissions (4):

Blueprint Genetics
Classification: Likely benign. Last evaluated: 2024-03-07. Review status: criteria provided, single submitter. Criteria: ACMG Guidelines, 2015. Collection method: clinical testing. Allele origin: germline.

CeGaT Center for Human Genetics Tuebingen
Classification: Likely benign. Last evaluated: 2023-12-01. Review status: criteria provided, single submitter. Criteria: CeGaT Center For Human Genetics Tuebingen Variant Classification Criteria Version 2. Collection method: clinical testing. Allele origin: germline. Affected: yes. Observed: 1 variant allele.
Comment: ZP2: BP4, BP7

Labcorp Genetics (formerly Invitae), Labcorp
Classification: Benign. Last evaluated: 2018-06-27. Review status: criteria provided, single submitter. Criteria: Invitae Variant Classification Sherloc (09022015). Collection method: clinical testing. Allele origin: germline.

Breakthrough Genomics
Classification: Benign. Review status: criteria provided, single submitter. Criteria: ACMG Guidelines, 2015. Collection method: not provided. Allele origin: germline. Inheritance: Autosomal recessive inheritance. Affected: yes.

NM_001376232.1(ZP2):c.1536C>T (p.Asn512=)

Gene: ZP2 (zona pellucida glycoprotein 2; minus strand). Cytogenetic location: 16p12.2.
Variant type: single nucleotide variant.
Coding change: c.1536C>T on transcript NM_001376232.1 (MANE Select); coding-DNA position 1536, C replaced by T.
Protein change: p.Asn512=; no amino-acid change (asparagine 512 retained).
Molecular consequence: synonymous variant. On other transcripts: non-coding transcript variant (1).
Genome position (GRCh38, 1-based): chr16:21,201,527, G>A on the plus strand (C>T on the coding strand, the complement: ZP2 is on the minus strand). VCF-style: chr16-21201527-G-A. GRCh37 (hg19) VCF-style: chr16-21212848-G-A.
Other names: c.1509C>T, p.Asn503= (NM_001376231.1); c.1536C>T, p.Asn512= (NM_001376233.1, NM_003460.2).
Identifiers: ClinVar variation 776993 (VCV000776993.27), dbSNP rs116035262, ClinGen allele CA7949694.